The following is an entry in ClinVar:

NM_000037.4(ANK1):c.4952dup (p.Gly1652fs)

Gene: ANK1 (ankyrin 1; minus strand). Cytogenetic location: 8p11.21.
Variant type: Duplication.
Coding change: c.4952dup on transcript NM_000037.4 (MANE Select); coding-DNA position 4952, one base duplicated (C; older notation c.4952dupC).
Protein change: p.Gly1652fs; shifts the reading frame from glycine 1652.
Molecular consequence: frameshift variant. On other transcripts: intron variant (1).
Genome position (GRCh38, 1-based): chr8:41,672,498, G duplicated on the plus strand (C on the coding strand, the reverse complement: ANK1 is on the minus strand); the first of 2 consecutive G bases (chr8:41,672,498-41,672,499); duplicating either gives the same sequence. VCF-style (leftmost placement, unchanged base first): chr8-41672497-T-TG. GRCh37 (hg19) VCF-style: chr8-41530015-T-TG.
Other names: c.5075dup, p.Gly1693fs (NM_001142446.2); c.4952dup, p.Gly1652fs (NM_020475.3, NM_020476.3); c.4538-72dup (NM_020477.3); short protein forms G1693fs, G1652fs.
Identifiers: ClinVar variation 4716624 (VCV004716624.1).

ClinVar aggregate classification (germline): Pathogenic (1 of 4 stars; one submission).

Submission:

Labcorp Genetics (formerly Invitae), Labcorp
Classification: Pathogenic. Last evaluated: 2025-04-29. Review status: criteria provided, single submitter. Criteria: Invitae Variant Classification Sherloc (09022015). Collection method: clinical testing. Allele origin: germline.
Comment: This sequence change creates a premature translational stop signal (p.Gly1652Argfs*3) in the ANK1 gene. It is expected to result in an absent or disrupted protein product. Loss-of-function variants in ANK1 are known to be pathogenic (PMID: 8640229). This variant is not present in population databases (gnomAD no frequency). This variant has not been reported in the literature in individuals affected with ANK1-related conditions. For these reasons, this variant has been classified as Pathogenic.

Literature cited by the submitters: PubMed 8640229.